The following is an entry in ClinVar:

NM_001134665.3(TRMT10A):c.560C>T (p.Thr187Met)

Gene: TRMT10A (tRNA methyltransferase 10A; minus strand). Cytogenetic location: 4q23.
Variant type: single nucleotide variant.
Coding change: c.560C>T on transcript NM_001134665.3 (MANE Select); coding-DNA position 560, C replaced by T.
Protein change: p.Thr187Met; replaces threonine 187 with methionine.
Molecular consequence: missense variant.
Genome position (GRCh38, 1-based): chr4:99,553,870, G>A on the plus strand (C>T on the coding strand, the complement: TRMT10A is on the minus strand). VCF-style: chr4-99553870-G-A. GRCh37 (hg19) VCF-style: chr4-100475027-G-A.
Other names: c.560C>T, p.Thr187Met (NM_001134666.3, NM_001375880.1, NM_001375881.1 and 2 more transcripts); c.560C>T (NM_152292.4); short protein forms T187M.
Identifiers: ClinVar variation 2146543 (VCV002146543.4), dbSNP rs759680038, ClinGen allele CA3021491.

ClinVar aggregate classification (germline): Uncertain significance. Review status: criteria provided, multiple submitters, no conflicts (2 of 4 stars). 2 submissions from 2 submitters: Uncertain significance (2). Last evaluated 2024-12-19.

Allele frequency attached by ClinVar (database versions not stated): gnomAD 0.00001; TOPMed 0.00003.

Submissions (2):

Labcorp Genetics (formerly Invitae), Labcorp
Classification: Uncertain significance. Last evaluated: 2024-12-19. Review status: criteria provided, single submitter. Criteria: Invitae Variant Classification Sherloc (09022015). Collection method: clinical testing. Allele origin: germline.
Comment: This sequence change replaces threonine, which is neutral and polar, with methionine, which is neutral and non-polar, at codon 187 of the TRMT10A protein (p.Thr187Met). This variant is present in population databases (rs759680038, gnomAD 0.02%). This variant has not been reported in the literature in individuals affected with TRMT10A-related conditions. ClinVar contains an entry for this variant (Variation ID: 2146543). Invitae Evidence Modeling of protein sequence and biophysical properties (such as structural, functional, and spatial information, amino acid conservation, physicochemical variation, residue mobility, and thermodynamic stability) indicates that this missense variant is expected to disrupt TRMT10A protein function with a positive predictive value of 80%. In summary, the available evidence is currently insufficient to determine the role of this variant in disease. Therefore, it has been classified as a Variant of Uncertain Significance.

GeneDx
Classification: Uncertain significance. Last evaluated: 2023-12-18. Review status: criteria provided, single submitter. Criteria: GeneDx Variant Classification Process June 2021. Collection method: clinical testing. Allele origin: germline. Affected: yes.
Comment: Has not been previously published as pathogenic or benign to our knowledge; In silico analysis supports that this missense variant has a deleterious effect on protein structure/function